The following is an entry in ClinVar:

NM_000722.4(CACNA2D1):c.921T>A (p.Leu307=)

Gene: CACNA2D1 (calcium voltage-gated channel auxiliary subunit alpha2delta 1; minus strand). Cytogenetic location: 7q21.11.
Variant type: single nucleotide variant.
Coding change: c.921T>A on transcript NM_000722.4 (MANE Select); coding-DNA position 921, T replaced by A.
Protein change: p.Leu307=; no amino-acid change (leucine 307 retained).
Molecular consequence: synonymous variant.
Genome position (GRCh38, 1-based): chr7:82,038,194, A>T on the plus strand (T>A on the coding strand, the complement: CACNA2D1 is on the minus strand). VCF-style: chr7-82038194-A-T. GRCh37 (hg19) VCF-style: chr7-81667510-A-T.
Other names: c.921T>A, p.Leu307= (NM_001366867.1).
Identifiers: ClinVar variation 3041879 (VCV003041879.2), dbSNP rs773515716, ClinGen allele CA456141861.

ClinVar aggregate classification (germline): Likely benign (0 of 4 stars; one submission).

Conditions:
CACNA2D1-related disorder. Also called: CACNA2D1-related condition.

gnomAD v4.1: 3 of 1,613,758 alleles (0.00019%); highest among the groups gnomAD compares: Non-Finnish European, 0.00025%; no homozygotes.

Submission:

PreventionGenetics, part of Exact Sciences
Classification: Likely benign for CACNA2D1-related condition. Last evaluated: 2019-05-27. Review status: no assertion criteria provided. Collection method: clinical testing. Allele origin: germline.
Comment: This variant is classified as likely benign based on ACMG/AMP sequence variant interpretation guidelines (Richards et al. 2015 PMID: 25741868, with internal and published modifications).